The following is an entry in ClinVar:

ClinVar aggregate classification (germline): Pathogenic. Review status: criteria provided, multiple submitters, no conflicts (2 of 4 stars). 15 submissions from 15 submitters: Pathogenic (10). 5 of the submissions do not count toward it. Last evaluated 2026-03-27.

Conditions:
SCN4A-related non-dystrophic myotonia.
Rhabdomyolysis. Also called: Rhabdomyolysis (disease). Identifiers: MedGen C0035410, HP:0003201, MONDO:0005290.
Skeletal muscle channelopathy.
SCN4A-related disorder. Also called: SCN4A-related disorders.
Congenital myasthenic syndrome 16. Identifiers: Orphanet 590, MedGen C3280112, MONDO:0013620, OMIM 614198.
Hyperkalemic periodic paralysis. Also called: Gamstorp disease; Familial hyperkalemic periodic paralysis. Identifiers: Orphanet 682, MedGen C0238357, MONDO:0008224, OMIM 170500, HP:0007215.
Paramyotonia congenita of Von Eulenburg. Also called: Eulenburg disease; Myotonia congenita intermittens; Von Eulenburg paramyotonia congenita; Paramyotonia Congenita; PARALYSIS PERIODICA PARAMYOTONICA. Identifiers: Orphanet 684, MedGen C0221055, MONDO:0008195, OMIM 168300. Disease mechanism: loss of function.
Potassium-aggravated myotonia. Also called: MYOTONIA CONGENITA, ACETAZOLAMIDE-RESPONSIVE; MYOTONIA CONGENITA, ATYPICAL; Myotonia congenita, atypical, acetazolamide-responsive; SODIUM CHANNEL MUSCLE DISEASE. Identifiers: Orphanet 612, Orphanet 99734, Orphanet 99735, Orphanet 99736, MedGen C2931826, MONDO:0018959, OMIM 608390.
Hypokalemic periodic paralysis, type 2 (HOKPP2). Identifiers: Orphanet 681, MedGen C2750061, MONDO:0013234, OMIM 613345.
Delayed gross motor development. Identifiers: MedGen C1837658, HP:0002194.

Allele frequency attached by ClinVar (database versions not stated): gnomAD exomes below 0.00001.

Submissions (15):

Genetics Laboratory, Great Ormond Street Hospital NHS Foundation Trust, North Thames Genomic Laboratory Hub
Classification: Pathogenic for Skeletal muscle channelopathy. Last evaluated: 2026-03-27. Review status: criteria provided, single submitter. Criteria: ACGS Best Practice Guidelines for Variant Classification in Rare Disease 2024 v1.2. Collection method: clinical testing. Allele origin: germline. Affected: yes.
Comment: PS4_moderate, PP3_supporting, PM5_moderate, PS3_strong, PM1_moderate, PP1_strong

Labcorp Genetics (formerly Invitae), Labcorp
Classification: Pathogenic for Hyperkalemic periodic paralysis. Last evaluated: 2025-11-21. Review status: criteria provided, single submitter. Criteria: Invitae Variant Classification Sherloc (09022015). Collection method: clinical testing. Allele origin: germline.
Comment: This sequence change replaces arginine, which is basic and polar, with histidine, which is basic and polar, at codon 1448 of the SCN4A protein (p.Arg1448His). This variant is not present in population databases (gnomAD no frequency). This missense change has been observed in individuals with autosomal dominant paramyotonia congenita (PMID: 1316765, 8005599, 18166706, 18337730, 27415035). It has also been observed to segregate with disease in related individuals. ClinVar contains an entry for this variant (Variation ID: 5899). Invitae Evidence Modeling of protein sequence and biophysical properties (such as structural, functional, and spatial information, amino acid conservation, physicochemical variation, residue mobility, and thermodynamic stability) indicates that this missense variant is expected to disrupt SCN4A protein function with a positive predictive value of 95%. Experimental studies have shown that this missense change affects SCN4A function (PMID: 7809121, 8110459, 12562902). For these reasons, this variant has been classified as Pathogenic.

CeGaT Center for Human Genetics Tuebingen
Classification: Pathogenic. Last evaluated: 2025-02-01. Review status: criteria provided, single submitter. Criteria: CeGaT Center For Human Genetics Tuebingen Variant Classification Criteria Version 2. Collection method: clinical testing. Allele origin: germline. Affected: yes. Observed: 6 variant alleles.
Comment: SCN4A: PP1:Strong, PM1, PM2, PM5, PS4:Moderate, PP3, PS3:Supporting

Athena Diagnostics
Classification: Pathogenic. Last evaluated: 2024-06-04. Review status: criteria provided, single submitter. Criteria: Athena Diagnostics Criteria. Collection method: clinical testing. Allele origin: unknown.
Comment: This variant has been identified in multiple unrelated individuals with paramyotonia congenita with and without periodic paralysis and segregates with disease in families. This variant has not been reported in large, multi-ethnic general populations. ((Genome Aggregation Database (gnomAD), Cambridge, MA (URL)) Assessment of experimental evidence suggests this variant results in abnormal protein function. (PMID: 8110459, 12562902, 33430134) The variant is located in a region that is considered important for protein function and/or structure. At least one other missense variant at this codon is considered to be pathogenic or likely pathogenic, suggesting this variant may also cause disease.

Clinical Genetics Laboratory, Skane University Hospital Lund
Classification: Pathogenic. Last evaluated: 2023-09-22. Review status: criteria provided, single submitter. Criteria: ACMG Guidelines, 2015. Collection method: clinical testing. Allele origin: germline. Affected: yes.

Blueprint Genetics
Classification: Pathogenic for SCN4A-related disorders. Last evaluated: 2022-03-25. Review status: criteria provided, single submitter. Criteria: ACMG Guidelines, 2015. Collection method: clinical testing. Allele origin: germline. Affected: yes. Observed: 5 variant alleles.

GeneDx
Classification: Pathogenic. Last evaluated: 2021-11-15. Review status: criteria provided, single submitter. Criteria: GeneDx Variant Classification Process June 2021. Collection method: clinical testing. Allele origin: germline. Affected: yes.
Comment: Published functional studies demonstrate that R1448H impacts channel inactivation in vitro (Yang et al., 1994; Mohammadi et al., 2003); Not observed at significant frequency in large population cohorts (Lek et al., 2016); In silico analysis supports that this missense variant has a deleterious effect on protein structure/function; This variant is associated with the following publications: (PMID: 7809121, 22507243, 24843232, 8110459, 16624558, 8005599, 32849172, 28779239, 30931713, 30945278, 32594687, 32660787, 1316765, 27415035, 18337730, 32670189, 18166706, 12562902, 1660029)

MGZ Medical Genetics Center
Classification: Pathogenic for Potassium-aggravated myotonia. Last evaluated: 2021-09-30. Review status: criteria provided, single submitter. Criteria: ACMG Guidelines, 2015. Collection method: clinical testing. Allele origin: germline. Affected: yes. Observed: 1 variant allele.
Comment: ACMG criteria applied: PS3, PM5, PP1_MOD, PM2_SUP, PP3

Center for Pediatric Genomic Medicine, Children's Mercy Hospital and Clinics
Classification: Pathogenic for Delayed gross motor development. Last evaluated: 2020-11-11. Review status: criteria provided, single submitter. Criteria: ACMG Guidelines, 2015. Collection method: clinical testing. Allele origin: germline. Affected: yes.

Revvity Omics, Revvity
Classification: Pathogenic. Last evaluated: 2019-06-19. Review status: criteria provided, single submitter. Criteria: ACMG Guidelines, 2015. Collection method: clinical testing. Allele origin: germline.

PreventionGenetics, part of Exact Sciences
Classification: Pathogenic for SCN4A-related condition. Last evaluated: 2024-09-16. Review status: no assertion criteria provided. Collection method: clinical testing. Allele origin: germline. Not counted in ClinVar's aggregate classification.
Comment: The SCN4A c.4343G>A variant is predicted to result in the amino acid substitution p.Arg1448His. This variant has been reported in many unrelated individuals with autosomal dominant paramyotonia congenita and has segregated in families (kindred 1637 in Ptacek et al 1992. PubMed ID: 1316765; Huang et al 2019. PubMed ID: 30931713; Jiao et al 2019. PubMed ID: 30945278; Meyer et al 2020. PubMed ID: 32670189). This variant has also been reported to occur de novo (Jiao Q et al 2019. PubMed ID: 30945278). Functional studies indicate this variant disrupts normal channel inactivation (Yang N et al 1994. PubMed ID: 7809121). This variant has not been reported in a large population database, indicating this variant is rare. This variant is interpreted as pathogenic.

Department of Neurology and Geriatrics, Kagoshima University Graduate School of Medical and Dental Sciences
Classification: Pathogenic for SCN4A-related non-dystrophic myotonia. Last evaluated: 2022-04-06. Review status: no assertion criteria provided. Collection method: research. Allele origin: germline. Affected: yes. Not counted in ClinVar's aggregate classification.

Yale Center for Mendelian Genomics, Yale University
Classification: Likely pathogenic for Rhabdomyolysis. Last evaluated: 2017-08-05. Review status: no assertion criteria provided. Collection method: literature only. Allele origin: germline. Affected: yes. Observed: 1 heterozygote. Not counted in ClinVar's aggregate classification.

OMIM
Classification: Pathogenic for PARAMYOTONIA CONGENITA. Last evaluated: 1994-06-01. Review status: no assertion criteria provided. Collection method: literature only. Allele origin: germline. Not counted in ClinVar's aggregate classification.

GeneReviews
No classification provided. Condition: Hyperkalemic periodic paralysis. Review status: no classification provided. Collection method: literature only. Allele origin: germline. Affected: yes. Not counted in ClinVar's aggregate classification.

Literature cited by the submitters: PubMed 1316765 (cited by 4 submitters); PubMed 8005599 (cited by 3 submitters); PubMed 18166706 (cited by Labcorp Genetics (formerly Invitae), Labcorp and Athena Diagnostics); PubMed 18337730 (cited by Labcorp Genetics (formerly Invitae), Labcorp and Athena Diagnostics); PubMed 27415035 (cited by Labcorp Genetics (formerly Invitae), Labcorp and Athena Diagnostics); PubMed 7809121 (cited by Labcorp Genetics (formerly Invitae), Labcorp and Athena Diagnostics); PubMed 8110459 (cited by Labcorp Genetics (formerly Invitae), Labcorp and Athena Diagnostics); PubMed 12562902 (cited by Labcorp Genetics (formerly Invitae), Labcorp and Athena Diagnostics); PubMed 22507243 (cited by Athena Diagnostics); PubMed 7676326 (cited by Athena Diagnostics); PubMed 28779239 (cited by Athena Diagnostics and Yale Center for Mendelian Genomics, Yale University); PubMed 30931713 (cited by Athena Diagnostics); PubMed 30945278 (cited by Athena Diagnostics); PubMed 32849172 (cited by Athena Diagnostics); PubMed 32670189 (cited by Athena Diagnostics); PubMed 32660787 (cited by Athena Diagnostics); PubMed 32594687 (cited by Athena Diagnostics); PubMed 35907044 (cited by Athena Diagnostics); PubMed 33430134 (cited by Athena Diagnostics); NCBI Bookshelf NBK1496 (cited by GeneReviews).

NM_000334.4(SCN4A):c.4343G>A (p.Arg1448His)

Genes: SCN4A (sodium voltage-gated channel alpha subunit 4; minus strand), GH-LCR (growth hormone locus control region; plus strand). Cytogenetic location: 17q23.3.
Variant type: single nucleotide variant.
Coding change: c.4343G>A on transcript NM_000334.4 (MANE Select); coding-DNA position 4343, G replaced by A.
Protein change: p.Arg1448His; replaces arginine 1448 with histidine.
Molecular consequence: missense variant.
Genome position (GRCh38, 1-based): chr17:63,941,939, C>T on the plus strand (G>A on the coding strand, the complement: SCN4A is on the minus strand). VCF-style: chr17-63941939-C-T. GRCh37 (hg19) VCF-style: chr17-62019299-C-T.
Other names: short protein forms R1448H.
Identifiers: ClinVar variation 5899 (VCV000005899.64), dbSNP rs121908545, ClinGen allele CA117836.
Genomic context (GRCh38, chr17:63,941,939, plus strand): 5'-ATGCCCTTGGCCCCGCGGATCAGCCGCAGGACACGCCCAATCCGCGCCAGGCGGATCACA[C>T]GGAACAGCGTGGGTGACACGAAGTACTTCTGGATCAGGTCAGAGAGGGCAAGGCCTGCGG-3'
Protein context (NP_000325.4, residues 1438-1458): QKYFVSPTLF[Arg1448His]VIRLARIGRV